The following is an entry in ClinVar:

ClinVar aggregate classification (germline): Uncertain significance. Review status: criteria provided, multiple submitters, no conflicts (2 of 4 stars). 5 submissions from 5 submitters: Uncertain significance (5). Last evaluated 2023-04-27.

Conditions:
PEX16-related disorder. Also called: PEX16-related condition.
Peroxisome biogenesis disorder. Identifiers: Orphanet 79189, MedGen C1832200, MONDO:0019234. Disease mechanism: loss of function.
Inborn genetic diseases. Identifiers: MedGen C0950123, MeSH D030342.

Allele frequency attached by ClinVar (database versions not stated): gnomAD exomes 0.00004; TOPMed 0.00005; ExAC 0.00006; gnomAD 0.00010; ESP Exome Variant Server 0.00023.
gnomAD v4.1: 63 of 1,614,098 alleles (0.0039%); highest among the groups gnomAD compares: East Asian, 0.047%; no homozygotes.

Submissions (5):

GeneDx
Classification: Uncertain significance. Last evaluated: 2023-04-27. Review status: criteria provided, single submitter. Criteria: GeneDx Variant Classification Process June 2021. Collection method: clinical testing. Allele origin: germline. Affected: yes.
Comment: Not observed at significant frequency in large population cohorts (gnomAD); In silico analysis supports that this missense variant does not alter protein structure/function; Has not been previously published as pathogenic or benign to our knowledge

PreventionGenetics, part of Exact Sciences
Classification: Uncertain significance for PEX16-related condition. Last evaluated: 2023-02-24. Review status: criteria provided, single submitter. Criteria: ACMG Guidelines, 2015. Collection method: clinical testing. Allele origin: germline.
Comment: The PEX16 c.499G>A variant is predicted to result in the amino acid substitution p.Val167Met. To our knowledge, this variant has not been reported in the literature. This variant is reported in 0.0070% of alleles in individuals of European (Non-Finnish) descent in gnomAD. At this time, the clinical significance of this variant is uncertain due to the absence of conclusive functional and genetic evidence.

Ambry Genetics
Classification: Uncertain significance for Inborn genetic diseases. Last evaluated: 2023-01-06. Review status: criteria provided, single submitter. Criteria: Ambry Variant Classification Scheme 2023. Collection method: clinical testing. Allele origin: germline.

Labcorp Genetics (formerly Invitae), Labcorp
Classification: Uncertain significance for Peroxisome biogenesis disorder. Last evaluated: 2022-07-25. Review status: criteria provided, single submitter. Criteria: Invitae Variant Classification Sherloc (09022015). Collection method: clinical testing. Allele origin: germline.
Comment: This sequence change replaces valine, which is neutral and non-polar, with methionine, which is neutral and non-polar, at codon 167 of the PEX16 protein (p.Val167Met). This variant is present in population databases (rs147332976, gnomAD 0.006%). This variant has not been reported in the literature in individuals affected with PEX16-related conditions. ClinVar contains an entry for this variant (Variation ID: 499595). Algorithms developed to predict the effect of missense changes on protein structure and function (SIFT, PolyPhen-2, Align-GVGD) all suggest that this variant is likely to be tolerated. In summary, the available evidence is currently insufficient to determine the role of this variant in disease. Therefore, it has been classified as a Variant of Uncertain Significance.

Eurofins Ntd Llc (ga)
Classification: Uncertain significance. Last evaluated: 2016-12-29. Review status: criteria provided, single submitter. Criteria: EGL Classification Definitions 2015. Collection method: clinical testing. Allele origin: germline. Observed: 1 variant allele, 1 heterozygote.

NM_004813.4(PEX16):c.499G>A (p.Val167Met)

Gene: PEX16 (peroxisomal biogenesis factor 16; minus strand). Cytogenetic location: 11p11.2.
Variant type: single nucleotide variant.
Coding change: c.499G>A on transcript NM_004813.4 (MANE Select); coding-DNA position 499, G replaced by A.
Protein change: p.Val167Met; replaces valine 167 with methionine.
Molecular consequence: missense variant.
Genome position (GRCh38, 1-based): chr11:45,914,646, C>T on the plus strand (G>A on the coding strand, the complement: PEX16 is on the minus strand). VCF-style: chr11-45914646-C-T. GRCh37 (hg19) VCF-style: chr11-45936197-C-T.
Other names: c.499G>A, p.Val167Met (NM_057174.3); short protein forms V167M.
Identifiers: ClinVar variation 499595 (VCV000499595.16), dbSNP rs147332976, ClinGen allele CA5959950.